The following is an entry in ClinVar:

NM_000093.5(COL5A1):c.1041C>A (p.Tyr347Ter)

Gene: COL5A1 (collagen type V alpha 1 chain; plus strand). Cytogenetic location: 9q34.3.
Variant type: single nucleotide variant.
Coding change: c.1041C>A on transcript NM_000093.5 (MANE Select); coding-DNA position 1041, C replaced by A.
Protein change: p.Tyr347Ter; replaces tyrosine 347 with a stop codon.
Molecular consequence: nonsense.
Genome position (GRCh38, 1-based): chr9:134,730,352, C>A. VCF-style: chr9-134730352-C-A. GRCh37 (hg19) VCF-style: chr9-137622198-C-A.
Other names: c.1041C>A, p.Tyr347Ter (NM_001278074.1); short protein forms Y347*.
Identifiers: ClinVar variation 3061045 (VCV003061045.2), dbSNP rs2490501351, ClinGen allele CA375449674.

ClinVar aggregate classification (germline): Pathogenic (0 of 4 stars; one submission).

Conditions:
COL5A1-related disorder. Also called: COL5A1-related condition.

Submission:

PreventionGenetics, part of Exact Sciences
Classification: Pathogenic for COL5A1-related condition. Last evaluated: 2024-02-28. Review status: no assertion criteria provided. Collection method: clinical testing. Allele origin: germline.
Comment: The COL5A1 c.1041C>A variant is predicted to result in premature protein termination (p.Tyr347*). To our knowledge, this variant has not been reported in the literature or in a large population database, indicating this variant is rare. However, a different nucleotide change leading to this premature stop codon has been reported in one patient with Ehlers-Danlos syndrome (c.1041C>G; Colombi et al. 2017. PubMed ID: 28485813). Nonsense variants in COL5A1 are expected to be pathogenic. This variant is interpreted as pathogenic.